The following is an entry in ClinVar:

NM_025114.4(CEP290):c.1843G>T (p.Glu615Ter)

Gene: CEP290 (centrosomal protein 290; minus strand). Cytogenetic location: 12q21.32.
Variant type: single nucleotide variant.
Coding change: c.1843G>T on transcript NM_025114.4 (MANE Select); coding-DNA position 1843, G replaced by T.
Protein change: p.Glu615Ter; replaces glutamic acid 615 with a stop codon.
Molecular consequence: nonsense.
Genome position (GRCh38, 1-based): chr12:88,115,164, C>A on the plus strand (G>T on the coding strand, the complement: CEP290 is on the minus strand). VCF-style: chr12-88115164-C-A. GRCh37 (hg19) VCF-style: chr12-88508941-C-A.
Other names: short protein forms E615*.
Identifiers: ClinVar variation 5015276 (VCV005015276.1).

ClinVar aggregate classification (germline): Pathogenic (1 of 4 stars; one submission).

Conditions:
CEP290-related ciliopathy. Also called: CEP290 ciliopathy. Identifiers: MedGen CN305601, MONDO:0100451.

Submission:

Myriad Genetics, Inc.
Classification: Pathogenic for CEP290-related ciliopathy. Last evaluated: 2025-11-27. Review status: criteria provided, single submitter. Criteria: Myriad Autosomal Dominant, Autosomal Recessive and X-Linked Classification Criteria (2023). Collection method: clinical testing. Allele origin: unknown.
Comment: NM_025114.3(CEP290):c.1843G>T(E615*) is expected to be pathogenic in the context of CEP290-related disorders. This variant is predicted to lead to an abnormal or absent protein product due to the creation of a premature termination codon in CEP290, a gene where loss-of-function variants are known to be pathogenic. Please note: this variant was assessed in the context of healthy population screening.